The following is an entry in ClinVar:

NM_144687.4(NLRP12):c.3136_3139del (p.Arg1046fs)

Gene: NLRP12 (NLR family pyrin domain containing 12; minus strand). Cytogenetic location: 19q13.42.
Variant type: Deletion.
Coding change: c.3136_3139del on transcript NM_144687.4 (MANE Select); coding-DNA positions 3136 to 3139, 4 bases deleted (AGGT; older notation c.3136_3139delAGGT).
Protein change: p.Arg1046fs; shifts the reading frame from arginine 1046.
Molecular consequence: frameshift variant.
Genome position (GRCh38, 1-based): chr19:53,794,096-53,794,099, ACCT deleted on the plus strand (AGGT on the coding strand, the reverse complement: NLRP12 is on the minus strand); deleting any 4 consecutive bases within chr19:53,794,096-53,794,101 gives the same sequence; the c. name uses the placement nearest the transcript's 3' end. VCF-style (leftmost placement, unchanged base first): chr19-53794095-AACCT-A. GRCh37 (hg19) VCF-style: chr19-54297349-AACCT-A.
Other names: c.3139_3142del, p.Arg1047fs (NM_001277126.2); c.2965_2968del, p.Arg989fs (NM_001277129.1); short protein forms R1047fs, R1046fs, R989fs.
Identifiers: ClinVar variation 4726953 (VCV004726953.1).

ClinVar aggregate classification (germline): Uncertain significance (1 of 4 stars; one submission).

Conditions:
Familial cold autoinflammatory syndrome 2 (FCAS2). Identifiers: Orphanet 247868, MedGen C2673198, MONDO:0012724, OMIM 611762.

Submission:

Labcorp Genetics (formerly Invitae), Labcorp
Classification: Uncertain significance for Familial cold autoinflammatory syndrome 2. Last evaluated: 2025-09-10. Review status: criteria provided, single submitter. Criteria: Invitae Variant Classification Sherloc (09022015). Collection method: clinical testing. Allele origin: germline.
Comment: This sequence change creates a premature translational stop signal (p.Arg1046Trpfs*6) in the NLRP12 gene. While this is not anticipated to result in nonsense mediated decay, it is expected to disrupt the last 16 amino acid(s) of the NLRP12 protein. This variant is not present in population databases (gnomAD no frequency). This variant has not been reported in the literature in individuals affected with NLRP12-related conditions. In summary, the available evidence is currently insufficient to determine the role of this variant in disease. Therefore, it has been classified as a Variant of Uncertain Significance.